The following is an entry in ClinVar:

NM_001267550.2(TTN):c.2397G>A (p.Thr799=)

Gene: TTN (titin; minus strand). Cytogenetic location: 2q31.2.
Variant type: single nucleotide variant.
Coding change: c.2397G>A on transcript NM_001267550.2 (MANE Select); coding-DNA position 2397, G replaced by A.
Protein change: p.Thr799=; no amino-acid change (threonine 799 retained).
Molecular consequence: synonymous variant.
Genome position (GRCh38, 1-based): chr2:178,785,716, C>T on the plus strand (G>A on the coding strand, the complement: TTN is on the minus strand). VCF-style: chr2-178785716-C-T. GRCh37 (hg19) VCF-style: chr2-179650443-C-T.
Other names: c.2397G>A, p.Thr799= (NM_133378.4, NM_001256850.1, NM_133379.5); c.2259G>A, p.Thr753= (NM_003319.4, NM_133432.3, NM_133437.4).
Identifiers: ClinVar variation 46797 (VCV000046797.24), dbSNP rs369313128, ClinGen allele CA139217.

ClinVar aggregate classification (germline): Likely benign. Review status: criteria provided, multiple submitters, no conflicts (2 of 4 stars). 6 submissions from 6 submitters: Likely benign (5). 1 of the submissions does not count toward it. Last evaluated 2026-01-26.

Conditions:
TTN-related disorder. Also called: TTN-related disease; TTN-related disorders; TTN-related condition.
Cardiovascular phenotype. Identifiers: MedGen CN230736.
Dilated cardiomyopathy 1G (CMD1G). Identifiers: Orphanet 154, MedGen C1858763, MONDO:0011400, OMIM 604145.
Autosomal recessive limb-girdle muscular dystrophy type 2J (LGMDR10). Also called: Limb-girdle muscular dystrophy, type 2J; MUSCULAR DYSTROPHY, LIMB-GIRDLE, AUTOSOMAL RECESSIVE 10. Identifiers: Orphanet 140922, MedGen C1837342, MONDO:0012127, OMIM 608807.

Allele frequency attached by ClinVar (database versions not stated): ExAC 0.00002; gnomAD 0.00003; TOPMed 0.00004; gnomAD exomes 0.00005; ESP Exome Variant Server 0.00008.
gnomAD v4.1: 41 of 1,613,968 alleles (0.0025%); highest among the groups gnomAD compares: African/African-American, 0.015%; no homozygotes.

Submissions (6):

Labcorp Genetics (formerly Invitae), Labcorp
Classification: Likely benign for Dilated cardiomyopathy 1G; Autosomal recessive limb-girdle muscular dystrophy type 2J. Last evaluated: 2026-01-26. Review status: criteria provided, single submitter. Criteria: Invitae Variant Classification Sherloc (09022015). Collection method: clinical testing. Allele origin: germline.

Molecular Diagnostic Laboratory for Inherited Cardiovascular Disease, Montreal Heart Institute
Classification: Likely benign. Last evaluated: 2025-07-24. Review status: criteria provided, single submitter. Criteria: ACMG Guidelines, 2015. Collection method: clinical testing. Allele origin: germline. Affected: no.
Comment: BP7

GeneDx
Classification: Likely benign. Last evaluated: 2020-06-24. Review status: criteria provided, single submitter. Criteria: GeneDx Variant Classification Process June 2021. Collection method: clinical testing. Allele origin: germline. Affected: yes.

Ambry Genetics
Classification: Likely benign for Cardiovascular phenotype. Last evaluated: 2019-09-24. Review status: criteria provided, single submitter. Criteria: Ambry Variant Classification Scheme 2023. Collection method: clinical testing. Allele origin: germline.

Laboratory for Molecular Medicine, Mass General Brigham Personalized Medicine
Classification: Likely benign. Last evaluated: 2012-04-19. Review status: criteria provided, single submitter. Criteria: LMM Criteria. Collection method: clinical testing. Allele origin: germline. Observed: 1 variant allele.
Comment: Thr799Thr in exon 15 of TTN: This variant is not expected to have clinical signi ficance because it does not alter an amino acid residue and is not located withi n the splice consensus sequence. Thr799Thr in exon 15 of TTN (allele frequency = n/a)

PreventionGenetics, part of Exact Sciences
Classification: Likely benign for TTN-related condition. Last evaluated: 2022-02-01. Review status: no assertion criteria provided. Collection method: clinical testing. Allele origin: germline. Not counted in ClinVar's aggregate classification.
Comment: This variant is classified as likely benign based on ACMG/AMP sequence variant interpretation guidelines (Richards et al. 2015 PMID: 25741868, with internal and published modifications).